The following is an entry in ClinVar:

ClinVar aggregate classification (germline): Benign/Likely benign. Review status: criteria provided, multiple submitters, no conflicts (2 of 4 stars). 4 submissions from 4 submitters: Benign (2); Likely benign (1). 1 of the submissions does not count toward it. Last evaluated 2025-12-23.

Conditions:
DNMT3A-related disorder. Also called: DNMT3A-related disorders; DNMT3A-related condition.
Tatton-Brown-Rahman overgrowth syndrome. Also called: Tall stature-intellectual disability-facial dysmorphism syndrome; Tatton-Brown-Rahman syndrome. Identifiers: Orphanet 404443, MedGen C4014545, MONDO:0014382, OMIM 615879.

Allele frequency attached by ClinVar (database versions not stated): 1000 Genomes Project 0.00020; 1000 Genomes Project 30x 0.00047; gnomAD 0.00062 and 0.00064; TOPMed 0.00062; ESP Exome Variant Server 0.00092; gnomAD exomes 0.00101 and 0.00109; ExAC 0.00149.
gnomAD v4.1: 1,618 of 1,549,148 alleles (0.1%); highest among the groups gnomAD compares: Non-Finnish European, 0.12%; 3 homozygotes.

Submissions (4):

Labcorp Genetics (formerly Invitae), Labcorp
Classification: Benign for Tatton-Brown-Rahman overgrowth syndrome. Last evaluated: 2025-12-23. Review status: criteria provided, single submitter. Criteria: Invitae Variant Classification Sherloc (09022015). Collection method: clinical testing. Allele origin: germline.

Blueprint Genetics
Classification: Likely benign. Last evaluated: 2024-11-20. Review status: criteria provided, single submitter. Criteria: ACMG Guidelines, 2015. Collection method: clinical testing. Allele origin: germline.

Genetic Services Laboratory, University of Chicago
Classification: Benign. Last evaluated: 2018-03-02. Review status: criteria provided, single submitter. Criteria: ACMG Guidelines, 2015. Collection method: clinical testing. Allele origin: germline. Affected: no.

PreventionGenetics, part of Exact Sciences
Classification: Likely benign for DNMT3A-related condition. Last evaluated: 2021-06-25. Review status: no assertion criteria provided. Collection method: clinical testing. Allele origin: germline. Not counted in ClinVar's aggregate classification.
Comment: This variant is classified as likely benign based on ACMG/AMP sequence variant interpretation guidelines (Richards et al. 2015 PMID: 25741868, with internal and published modifications).

NM_022552.5(DNMT3A):c.72+10G>A

Gene: DNMT3A (DNA methyltransferase 3 alpha; minus strand). Cytogenetic location: 2p23.3.
Variant type: single nucleotide variant.
Coding change: c.72+10G>A on transcript NM_022552.5 (MANE Select); 10 bases into the intron after coding-DNA position 72, G replaced by A.
Molecular consequence: intron variant.
Genome position (GRCh38, 1-based): chr2:25,313,903, C>T on the plus strand (G>A on the coding strand, the complement: DNMT3A is on the minus strand). VCF-style: chr2-25313903-C-T. GRCh37 (hg19) VCF-style: chr2-25536772-C-T.
Other names: c.72+10G>A (NM_175629.2, NM_175630.1, NM_001320892.2).
Identifiers: ClinVar variation 541939 (VCV000541939.17), dbSNP rs370534287, ClinGen allele CA1556566.